The following is an entry in ClinVar:

ClinVar aggregate classification (germline): Pathogenic/Likely pathogenic. Review status: criteria provided, multiple submitters, no conflicts (2 of 4 stars). 3 submissions from 3 submitters: Pathogenic (2); Likely pathogenic (1). Last evaluated 2025-08-21.

Conditions:
Early-infantile DEE. Also called: Ohtahara syndrome; Early infantile epileptic encephalopathy; Early infantile epileptic encephalopathy with suppression bursts. Identifiers: Orphanet 1934, MedGen C0393706, MONDO:0800491.
Seizures, benign familial neonatal, 1. Also called: KCNQ2-Related Self-Limited Familial Neonatal Epilepsy (SLFNE); Seizures, benign neonatal, 1; Benign Neonatal Epilepsy 1; KCNQ2-Related Benign Familial Neonatal Epilepsy. Identifiers: Orphanet 1949, MedGen C3149074, MONDO:0007365, OMIM 121200.
Developmental and epileptic encephalopathy, 7 (DEE7). Also called: KCNQ2-Related Neonatal-Onset Developmental and Epileptic Encephalopathy (NEO-DEE); Early infantile epileptic encephalopathy 7; KCNQ2-Related Neonatal Epileptic Encephalopathy. Identifiers: Orphanet 439218, MedGen C3150986, MONDO:0013387, OMIM 613720.

Submissions (3):

Labcorp Genetics (formerly Invitae), Labcorp
Classification: Pathogenic for Early-infantile DEE. Last evaluated: 2025-08-21. Review status: criteria provided, single submitter. Criteria: Invitae Variant Classification Sherloc (09022015). Collection method: clinical testing. Allele origin: germline.
Comment: This sequence change replaces tyrosine, which is neutral and polar, with cysteine, which is neutral and slightly polar, at codon 127 of the KCNQ2 protein (p.Tyr127Cys). This variant is not present in population databases (gnomAD no frequency). This missense change has been observed in individual(s) with infantile onset epilepsy (PMID: 38221827; internal data). In at least one individual the variant was observed to be de novo. ClinVar contains an entry for this variant (Variation ID: 205863). Invitae Evidence Modeling of protein sequence and biophysical properties (such as structural, functional, and spatial information, amino acid conservation, physicochemical variation, residue mobility, and thermodynamic stability) indicates that this missense variant is expected to disrupt KCNQ2 protein function with a positive predictive value of 95%. For these reasons, this variant has been classified as Pathogenic.

Fulgent Genetics
Classification: Likely pathogenic for Seizures, benign familial neonatal, 1; Developmental and epileptic encephalopathy, 7. Last evaluated: 2021-07-15. Review status: criteria provided, single submitter. Criteria: ACMG Guidelines, 2015. Collection method: clinical testing. Allele origin: unknown.

GeneDx
Classification: Pathogenic. Last evaluated: 2020-12-10. Review status: criteria provided, single submitter. Criteria: GeneDx Variant Classification Process June 2021. Collection method: clinical testing. Allele origin: germline. Affected: yes.
Comment: Electrophysiology assays were performed using CHO cells transfected with Y127C and R207W variant cDNA constructs, and reduced potentiation on the outward currents was observed, however, the variants were not tested individually (Zheng et al., 2015); Not observed in large population cohorts (Lek et al., 2016); In silico analysis, which includes protein predictors and evolutionary conservation, supports a deleterious effect; The majority of missense variants in this gene are considered pathogenic (Stenson et al., 2014); This variant is associated with the following publications: (PMID: 25735002)

Literature cited by the submitters: PubMed 38221827 (cited by Labcorp Genetics (formerly Invitae), Labcorp).

NM_172107.4(KCNQ2):c.380A>G (p.Tyr127Cys)

Gene: KCNQ2 (potassium voltage-gated channel subfamily Q member 2; minus strand). Cytogenetic location: 20q13.33.
Variant type: single nucleotide variant.
Coding change: c.380A>G on transcript NM_172107.4 (MANE Select); coding-DNA position 380, A replaced by G.
Protein change: p.Tyr127Cys; replaces tyrosine 127 with cysteine.
Molecular consequence: missense variant.
Genome position (GRCh38, 1-based): chr20:63,446,754, T>C on the plus strand (A>G on the coding strand, the complement: KCNQ2 is on the minus strand). VCF-style: chr20-63446754-T-C. GRCh37 (hg19) VCF-style: chr20-62078107-T-C.
Other names: p.Y127C:TAC>TGC; c.380A>G, p.Tyr127Cys (NM_004518.6, NM_172106.3, NM_172108.5 and 1 more transcripts); short protein forms Y127C.
Identifiers: ClinVar variation 205863 (VCV000205863.15), dbSNP rs796052617, ClinGen allele CA315353.